The following is an entry in ClinVar:

ClinVar aggregate classification (germline): Uncertain significance. Review status: criteria provided, multiple submitters, no conflicts (2 of 4 stars). 3 submissions from 3 submitters: Uncertain significance (3). Last evaluated 2026-01-29.

Conditions:
Hereditary cancer-predisposing syndrome. Also called: Tumor predisposition; Hereditary neoplastic syndrome; Hereditary Cancer Syndrome; Neoplastic Syndromes, Hereditary. Identifiers: Orphanet 140162, MedGen C0027672, MeSH D009386, MONDO:0015356.
Fanconi anemia (FA). Also called: Fanconi's anemia. Identifiers: Orphanet 84, MedGen C0015625, MeSH D005199, MONDO:0019391.

Allele frequency attached by ClinVar (database versions not stated): gnomAD exomes below 0.00001.
gnomAD v4.1: 2 of 1,614,128 alleles (0.00012%); highest among the groups gnomAD compares: Admixed American, 0.0017%; no homozygotes.

Submissions (3):

Labcorp Genetics (formerly Invitae), Labcorp
Classification: Uncertain significance for Fanconi anemia. Last evaluated: 2026-01-29. Review status: criteria provided, single submitter. Criteria: Invitae Variant Classification Sherloc (09022015). Collection method: clinical testing. Allele origin: germline.
Comment: This sequence change replaces methionine, which is neutral and non-polar, with threonine, which is neutral and polar, at codon 406 of the FANCC protein (p.Met406Thr). This variant is not present in population databases (gnomAD no frequency). This variant has not been reported in the literature in individuals affected with FANCC-related conditions. ClinVar contains an entry for this variant (Variation ID: 1052139). Invitae Evidence Modeling of protein sequence and biophysical properties (such as structural, functional, and spatial information, amino acid conservation, physicochemical variation, residue mobility, and thermodynamic stability) indicates that this missense variant is not expected to disrupt FANCC protein function with a negative predictive value of 80%. In summary, the available evidence is currently insufficient to determine the role of this variant in disease. Therefore, it has been classified as a Variant of Uncertain Significance.

Quest Diagnostics Nichols Institute San Juan Capistrano
Classification: Uncertain significance. Last evaluated: 2024-11-03. Review status: criteria provided, single submitter. Criteria: Quest Diagnostics criteria. Collection method: clinical testing. Allele origin: unknown.
Comment: The FANCC c.1217T>C (p.Met406Thr) variant has not been reported in individuals with FANCC-related conditions in the published literature. It also has not been reported in large, multi-ethnic general populations (Genome Aggregation Database). Analysis of this variant using bioinformatics tools for the prediction of the effect of amino acid changes on protein structure and function yielded predictions that this variant is benign. Based on the available information, we are unable to determine the clinical significance of this variant.

Ambry Genetics
Classification: Uncertain significance for Hereditary cancer-predisposing syndrome. Last evaluated: 2024-03-15. Review status: criteria provided, single submitter. Criteria: Ambry Variant Classification Scheme 2023. Collection method: clinical testing. Allele origin: germline.
Comment: The p.M406T variant (also known as c.1217T>C), located in coding exon 12 of the FANCC gene, results from a T to C substitution at nucleotide position 1217. The methionine at codon 406 is replaced by threonine, an amino acid with similar properties. This amino acid position is poorly conserved in available vertebrate species. In addition, this alteration is predicted to be tolerated by in silico analysis. Since supporting evidence is limited at this time, the clinical significance of this alteration remains unclear.

NM_000136.3(FANCC):c.1217T>C (p.Met406Thr)

Genes: AOPEP (aminopeptidase O (putative); plus strand), FANCC (FA complementation group C; minus strand). Cytogenetic location: 9q22.32.
Variant type: single nucleotide variant.
Coding change: c.1217T>C on transcript NM_000136.3 (MANE Select); coding-DNA position 1217, T replaced by C.
Protein change: p.Met406Thr; replaces methionine 406 with threonine.
Molecular consequence: missense variant.
Genome position (GRCh38, 1-based): chr9:95,111,575, A>G on the plus strand (T>C on the coding strand, the complement: FANCC is on the minus strand). VCF-style: chr9-95111575-A-G. GRCh37 (hg19) VCF-style: chr9-97873857-A-G.
Other names: c.1217T>C, p.Met406Thr (NM_001243743.2, NM_001243744.2); short protein forms M406T.
Identifiers: ClinVar variation 1052139 (VCV001052139.10), dbSNP rs1159499581, ClinGen allele CA374107448.
Genomic context (GRCh38, chr9:95,111,575, plus strand): 5'-AAGAGCCACAGCAGGGCCGTGGGGGGTTCGGCTGCCGACATCAGTAATTGCTCTGCCACC[A>G]TCTCAGCCCATCCTCCGAAGTGAATGAACAGGAACCAGCTCTCAAAGGGACCTCCGCAGG-3'
Protein context (NP_000127.2, residues 396-416): LFIHFGGWAE[Met406Thr]VAEQLLMSAA